The following is an entry in ClinVar:

NM_004318.4(ASPH):c.322+4786GAA[5]

Gene: ASPH (aspartate beta-hydroxylase; minus strand). Cytogenetic location: 8q12.3.
Variant type: Microsatellite.
Coding change: c.322+4786GAA[5] on transcript NM_004318.4 (MANE Select); five copies in a row of the 3-base unit GAA starting at c.322+4786; the reference has six copies in a row; one copy, 3 bases deleted.
Molecular consequence: intron variant.
Genome position (GRCh38, 1-based): chr8:61,676,165-61,676,167, TTC deleted on the plus strand (GAA on the coding strand, the reverse complement: ASPH is on the minus strand); deleting any 3 consecutive bases within chr8:61,676,165-61,676,183 gives the same sequence; the position shown is the placement nearest the transcript's 3' end. VCF-style (leftmost placement, unchanged base first): chr8-61676164-TTTC-T. GRCh37 (hg19) VCF-style: chr8-62588723-TTTC-T.
Other names: c.505GAA[5], p.Glu174del (NM_001164756.2); c.322+4786GAA[5] (NM_001413901.1, NM_001413909.1, NM_001413895.1 and 47 more transcripts); c.367+4786GAA[5] (NM_001413874.1, NM_001413865.1, NM_001413872.1 and 7 more transcripts); c.235+4786GAA[5] (NM_001164750.2, NM_001413908.1, NM_001413907.1 and 5 more transcripts); c.280+4786GAA[5] (NM_001413856.1, NM_001164753.2, NM_001164752.2 and 4 more transcripts); short protein forms E174del.
Identifiers: ClinVar variation 3042570 (VCV003042570.2), dbSNP rs573164897, ClinGen allele CA4762410.

ClinVar aggregate classification (germline): Likely benign (0 of 4 stars; one submission).

Conditions:
ASPH-related disorder. Also called: ASPH-related condition.

Submission:

PreventionGenetics, part of Exact Sciences
Classification: Likely benign for ASPH-related condition. Last evaluated: 2020-06-05. Review status: no assertion criteria provided. Collection method: clinical testing. Allele origin: germline.
Comment: This variant is classified as likely benign based on ACMG/AMP sequence variant interpretation guidelines (Richards et al. 2015 PMID: 25741868, with internal and published modifications).